The following is an entry in ClinVar:

ClinVar aggregate classification (germline): Likely benign (0 of 4 stars; one submission).

Conditions:
PLXNA4-related disorder. Also called: PLXNA4-related condition.

gnomAD v4.1: 42 of 1,613,962 alleles (0.0026%); highest among the groups gnomAD compares: African/African-American, 0.0053%; no homozygotes.

Submission:

PreventionGenetics, part of Exact Sciences
Classification: Likely benign for PLXNA4-related condition. Last evaluated: 2022-11-03. Review status: no assertion criteria provided. Collection method: clinical testing. Allele origin: germline.
Comment: This variant is classified as likely benign based on ACMG/AMP sequence variant interpretation guidelines (Richards et al. 2015 PMID: 25741868, with internal and published modifications).

NM_020911.2(PLXNA4):c.2595G>A (p.Pro865=)

Gene: PLXNA4 (plexin A4; minus strand). Cytogenetic location: 7q32.3.
Variant type: single nucleotide variant.
Coding change: c.2595G>A on transcript NM_020911.2 (MANE Select); coding-DNA position 2595, G replaced by A.
Protein change: p.Pro865=; no amino-acid change (proline 865 retained).
Molecular consequence: synonymous variant.
Genome position (GRCh38, 1-based): chr7:132,198,628, C>T on the plus strand (G>A on the coding strand, the complement: PLXNA4 is on the minus strand). VCF-style: chr7-132198628-C-T. GRCh37 (hg19) VCF-style: chr7-131883387-C-T.
Other names: c.2595G>A, p.Pro865= (NM_001393897.1).
Identifiers: ClinVar variation 3351465 (VCV003351465.1).